The following is an entry in ClinVar:

NM_002662.5(PLD1):c.1669T>G (p.Phe557Val)

Gene: PLD1 (phospholipase D1; minus strand). Cytogenetic location: 3q26.31.
Variant type: single nucleotide variant.
Coding change: c.1669T>G on transcript NM_002662.5 (MANE Select); coding-DNA position 1669, T replaced by G.
Protein change: p.Phe557Val; replaces phenylalanine 557 with valine.
Molecular consequence: missense variant.
Genome position (GRCh38, 1-based): chr3:171,687,455, A>C on the plus strand (T>G on the coding strand, the complement: PLD1 is on the minus strand). VCF-style: chr3-171687455-A-C. GRCh37 (hg19) VCF-style: chr3-171405245-A-C.
Other names: c.1669T>G, p.Phe557Val (NM_001130081.3); short protein forms F557V.
Identifiers: ClinVar variation 2103448 (VCV002103448.4), dbSNP rs772938689, ClinGen allele CA2704541.

ClinVar aggregate classification (germline): Uncertain significance (1 of 4 stars; one submission).

Allele frequency attached by ClinVar (database versions not stated): ExAC 0.00001; gnomAD exomes 0.00001.
gnomAD v4.1: 5 of 1,613,956 alleles (0.00031%); highest among the groups gnomAD compares: Non-Finnish European, 0.00042%; no homozygotes.

Submission:

Labcorp Genetics (formerly Invitae), Labcorp
Classification: Uncertain significance. Last evaluated: 2022-02-25. Review status: criteria provided, single submitter. Criteria: Invitae Variant Classification Sherloc (09022015). Collection method: clinical testing. Allele origin: germline.
Comment: In summary, the available evidence is currently insufficient to determine the role of this variant in disease. Therefore, it has been classified as a Variant of Uncertain Significance. Algorithms developed to predict the effect of missense changes on protein structure and function (SIFT, PolyPhen-2, Align-GVGD) all suggest that this variant is likely to be tolerated. This variant has not been reported in the literature in individuals affected with PLD1-related conditions. This variant is present in population databases (rs772938689, gnomAD 0.0009%). This sequence change replaces phenylalanine, which is neutral and non-polar, with valine, which is neutral and non-polar, at codon 557 of the PLD1 protein (p.Phe557Val).